The following is an entry in ClinVar:

ClinVar aggregate classification (germline): Uncertain significance. Review status: criteria provided, multiple submitters, no conflicts (2 of 4 stars). 3 submissions from 3 submitters: Uncertain significance (3). Last evaluated 2025-10-28.

Conditions:
Myofibrillar myopathy 4. Also called: Zaspopathy (type). Identifiers: Orphanet 98912, MedGen C4721886, MONDO:0012277, OMIM 609452.
Cardiovascular phenotype. Identifiers: MedGen CN230736.

gnomAD v4.1: 3 of 1,613,224 alleles (0.00019%); highest among the groups gnomAD compares: African/African-American, 0.0027%; no homozygotes.

Submissions (3):

Ambry Genetics
Classification: Uncertain significance for Cardiovascular phenotype. Last evaluated: 2025-10-28. Review status: criteria provided, single submitter. Criteria: Ambry Variant Classification Scheme 2023. Collection method: clinical testing. Allele origin: germline.

Labcorp Genetics (formerly Invitae), Labcorp
Classification: Uncertain significance for Myofibrillar myopathy 4. Last evaluated: 2025-08-05. Review status: criteria provided, single submitter. Criteria: Invitae Variant Classification Sherloc (09022015). Collection method: clinical testing. Allele origin: germline.
Comment: The LDB3 gene has multiple clinically relevant transcripts. This variant occurs in alternate transcript NM_007078.2, and corresponds to NM_001080116.1:c.*17160G>A in the primary transcript. This sequence change replaces glycine, which is neutral and non-polar, with aspartic acid, which is acidic and polar, at codon 480 of the LDB3 protein (p.Gly480Asp). This variant is present in population databases (rs184240743, gnomAD 0.007%). This variant has not been reported in the literature in individuals affected with LDB3-related conditions. Experimental studies and prediction algorithms are not available or were not evaluated, and the functional significance of this variant is currently unknown. In summary, the available evidence is currently insufficient to determine the role of this variant in disease. Therefore, it has been classified as a Variant of Uncertain Significance.

GeneDx
Classification: Uncertain significance. Last evaluated: 2025-02-06. Review status: criteria provided, single submitter. Criteria: GeneDx Variant Classification Process June 2021. Collection method: clinical testing. Allele origin: germline. Affected: yes.
Comment: Not observed at significant frequency in large population cohorts (gnomAD); In silico analysis indicates that this missense variant does not alter protein structure/function; Has not been previously published as pathogenic or benign to our knowledge

NM_007078.3(LDB3):c.1439G>A (p.Gly480Asp)

Gene: LDB3 (LIM domain binding 3; plus strand). Cytogenetic location: 10q23.2.
Variant type: single nucleotide variant.
Coding change: c.1439G>A on transcript NM_007078.3 (MANE Select); coding-DNA position 1439, G replaced by A.
Protein change: p.Gly480Asp; replaces glycine 480 with aspartic acid.
Molecular consequence: missense variant.
Genome position (GRCh38, 1-based): chr10:86,716,534, G>A. VCF-style: chr10-86716534-G-A. GRCh37 (hg19) VCF-style: chr10-88476291-G-A.
Other names: c.1109G>A, p.Gly370Asp (NM_001080114.2); c.1454G>A, p.Gly485Asp (NM_001171610.2); c.1250G>A, p.Gly417Asp (NM_001368064.1, NM_001368065.1); c.1298G>A, p.Gly433Asp (NM_001368066.1); short protein forms G370D, G417D, G433D, G480D, G485D.
Identifiers: ClinVar variation 4074684 (VCV004074684.3).